The following is an entry in ClinVar:

NM_003906.5(MCM3AP):c.4301G>A (p.Gly1434Asp)

Genes: MCM3AP (minichromosome maintenance complex component 3 associated protein; minus strand), MCM3AP-AS1 (MCM3AP antisense RNA 1; plus strand). Cytogenetic location: 21q22.3.
Variant type: single nucleotide variant.
Coding change: c.4301G>A on transcript NM_003906.5 (MANE Select); coding-DNA position 4301, G replaced by A.
Protein change: p.Gly1434Asp; replaces glycine 1434 with aspartic acid.
Molecular consequence: missense variant.
Genome position (GRCh38, 1-based): chr21:46,246,876, C>T on the plus strand (G>A on the coding strand, the complement: MCM3AP is on the minus strand). VCF-style: chr21-46246876-C-T. GRCh37 (hg19) VCF-style: chr21-47666790-C-T.
Other names: p.Gly1434Asp; short protein forms G1434D.
Identifiers: ClinVar variation 3380684 (VCV003380684.1).
Genomic context (GRCh38, chr21:46,246,876, plus strand): 5'-CTGGCTCCCAGGAGGTCCTTCTGTGTCTCCACAGCATCAATGGCACCATCACTGAGGGCG[C>T]CATGGGCCACCTGCAACAGCATCAAGATCATCAGGAGAGATGCACCATGGGACGCATCAG-3'
Protein context (NP_003897.2, residues 1424-1444): SVNVCIKVAH[Gly1434Asp]ALSDGAIDAV

ClinVar aggregate classification (germline): Uncertain significance (1 of 4 stars; one submission).

gnomAD v4.1: 1 of 1,613,638 alleles (0.000062%); highest among the groups gnomAD compares: South Asian, 0.0011%; no homozygotes.

Submission:

Mayo Clinic Laboratories, Mayo Clinic
Classification: Uncertain significance. Last evaluated: 2024-06-03. Review status: criteria provided, single submitter. Criteria: ACMG Guidelines, 2015. Collection method: clinical testing. Allele origin: germline. Observed: 1 variant allele.
Comment: PM2